The following is an entry in ClinVar:

ClinVar aggregate classification (germline): Conflicting classifications of pathogenicity. Review status: criteria provided, conflicting classifications (1 of 4 stars). 5 submissions from 4 submitters: Uncertain significance (3); Likely benign (1). 1 of the submissions does not count toward it. Last evaluated 2024-08-12.

Conditions:
Nephronophthisis. Also called: Juvenile Nephronophthisis. Identifiers: Orphanet 655, MedGen C0687120, MONDO:0019005, HP:0000090.
Jeune thoracic dystrophy. Also called: Jeune syndrome; Infantile thoracic dystrophy; Thoracic pelvic phalangeal dystrophy; Jeune's syndrome; Chondroectodermal dysplasia-like syndrome; Short-rib thoracic dysplasia. Identifiers: Orphanet 474, MedGen C0265275, MONDO:0018770.
TTC21B-related disorder. Also called: TTC21B-related condition; TTC21B-related disorders.
Nephronophthisis 12 (NPHP12). Identifiers: Orphanet 655, MedGen C3151186, MONDO:0013442, OMIM 613820.
Asphyxiating thoracic dystrophy 4 (SRTD4). Also called: SHORT-RIB THORACIC DYSPLASIA 4; SHORT-RIB THORACIC DYSPLASIA 4 WITH OR WITHOUT POLYDACTYLY. Identifiers: Orphanet 474, MedGen C3151185, MONDO:0013441, OMIM 613819.

Allele frequency attached by ClinVar (database versions not stated): TOPMed 0.00007; ESP Exome Variant Server 0.00015; gnomAD exomes 0.00002; gnomAD 0.00001; ExAC 0.00002.
gnomAD v4.1: 19 of 1,613,664 alleles (0.0012%); highest among the groups gnomAD compares: African/African-American, 0.019%; no homozygotes.

Submissions (5):

Labcorp Genetics (formerly Invitae), Labcorp
Classification: Likely benign for Jeune thoracic dystrophy; Nephronophthisis. Last evaluated: 2024-08-12. Review status: criteria provided, single submitter. Criteria: Invitae Variant Classification Sherloc (09022015). Collection method: clinical testing. Allele origin: germline.

Fulgent Genetics
Classification: Uncertain significance for Asphyxiating thoracic dystrophy 4; Nephronophthisis 12. Last evaluated: 2024-05-11. Review status: criteria provided, single submitter. Criteria: ACMG Guidelines, 2015. Collection method: clinical testing. Allele origin: germline.

Illumina Laboratory Services, Illumina
Classification: Uncertain significance for Asphyxiating thoracic dystrophy 4. Last evaluated: 2018-01-13. Review status: criteria provided, single submitter. Criteria: ICSL Variant Classification Criteria 13 December 2019. Collection method: clinical testing. Allele origin: germline.

Illumina Laboratory Services, Illumina
Classification: Uncertain significance for Nephronophthisis 12. Last evaluated: 2018-01-13. Review status: criteria provided, single submitter. Criteria: ICSL Variant Classification Criteria 13 December 2019. Collection method: clinical testing. Allele origin: germline.

PreventionGenetics, part of Exact Sciences
Classification: Uncertain significance for TTC21B-related condition. Last evaluated: 2024-08-21. Review status: no assertion criteria provided. Collection method: clinical testing. Allele origin: germline. Not counted in ClinVar's aggregate classification.
Comment: The TTC21B c.338A>G variant is predicted to result in the amino acid substitution p.His113Arg. To our knowledge, this variant has not been reported in the literature. This variant is reported in 0.025% of alleles in individuals of African descent in gnomAD. At this time, the clinical significance of this variant is uncertain due to the absence of conclusive functional and genetic evidence.

NM_024753.5(TTC21B):c.338A>G (p.His113Arg)

Genes: TTC21B (tetratricopeptide repeat domain 21B; minus strand), TTC21B-AS1 (TTC21B antisense RNA 1; plus strand). Cytogenetic location: 2q24.3.
Variant type: single nucleotide variant.
Coding change: c.338A>G on transcript NM_024753.5 (MANE Select); coding-DNA position 338, A replaced by G.
Protein change: p.His113Arg; replaces histidine 113 with arginine.
Molecular consequence: missense variant.
Genome position (GRCh38, 1-based): chr2:165,945,615, T>C on the plus strand (A>G on the coding strand, the complement: TTC21B is on the minus strand). VCF-style: chr2-165945615-T-C. GRCh37 (hg19) VCF-style: chr2-166802125-T-C.
Other names: short protein forms H113R.
Identifiers: ClinVar variation 894674 (VCV000894674.13), dbSNP rs146865517, ClinGen allele CA1942472.
Genomic context (GRCh38, chr2:165,945,615, plus strand): 5'-CTGTCAATATATTCCCTTGCTTTATCATGGCGACCAATGTGCCATAAAAATAAGCCTGCA[T>C]GGTATAAGGCTTTCTCTCCAGCTCCTTTACGTTGTTCCTTCACTCTGGCATCTGATTCCA-3'
Protein context (NP_079029.3, residues 103-123): RKGAGEKALY[His113Arg]AGLFLWHIGR